The following is an entry in ClinVar:

ClinVar aggregate classification (germline): Uncertain significance (1 of 4 stars; one submission).

Conditions:
Inborn genetic diseases. Identifiers: MedGen C0950123, MeSH D030342.

Submission:

Ambry Genetics
Classification: Uncertain significance for Inborn genetic diseases. Last evaluated: 2020-08-18. Review status: criteria provided, single submitter. Criteria: Ambry Variant Classification Scheme 2023. Collection method: clinical testing. Allele origin: germline.
Comment: The p.N589K variant (also known as c.1767C>G), located in coding exon 13 of the GSN gene, results from a C to G substitution at nucleotide position 1767. The asparagine at codon 589 is replaced by lysine, an amino acid with similar properties. This amino acid position is highly conserved in available vertebrate species. In addition, this alteration is predicted to be tolerated by in silico analysis. Since supporting evidence is limited at this time, the clinical significance of this alteration remains unclear.

NM_198252.3(GSN):c.1614C>G (p.Asn538Lys)

Gene: GSN (gelsolin; plus strand). Cytogenetic location: 9q33.2.
Variant type: single nucleotide variant.
Coding change: c.1614C>G on transcript NM_198252.3 (MANE Select); coding-DNA position 1614, C replaced by G.
Protein change: p.Asn538Lys; replaces asparagine 538 with lysine.
Molecular consequence: missense variant.
Genome position (GRCh38, 1-based): chr9:121,327,334, C>G. VCF-style: chr9-121327334-C-G. GRCh37 (hg19) VCF-style: chr9-124089612-C-G.
Other names: c.1614C>G, p.Asn538Lys (NM_001353060.2, NM_001353061.2, NM_001353062.1 and 10 more transcripts); c.1647C>G, p.Asn549Lys (NM_001353063.2, NM_001353064.2, NM_001353065.2 and 13 more transcripts); c.1686C>G, p.Asn562Lys (NM_001353076.2); c.960C>G, p.Asn320Lys (NM_001353078.2); c.1767C>G, p.Asn589Lys (NM_000177.5); c.1722C>G, p.Asn574Lys (NM_001127663.2); c.1665C>G, p.Asn555Lys (NM_001258029.2); c.1638C>G, p.Asn546Lys (NM_001258030.2); short protein forms N555K, N574K, N589K, N538K, N562K, N320K, N546K, N549K.
Identifiers: ClinVar variation 1779699 (VCV001779699.2), dbSNP rs2541251055, ClinGen allele CA374755647.